The following is an entry in ClinVar:

ClinVar aggregate classification (germline): Uncertain significance (1 of 4 stars; one submission).

Submission:

GeneDx
Classification: Uncertain significance. Last evaluated: 2024-03-15. Review status: criteria provided, single submitter. Criteria: GeneDx Variant Classification Process June 2021. Collection method: clinical testing. Allele origin: germline. Affected: yes.
Comment: Not observed at significant frequency in large population cohorts (gnomAD); In silico analysis supports that this missense variant does not alter protein structure/function; Has not been previously published as pathogenic or benign to our knowledge

NM_006514.4(SCN10A):c.985T>C (p.Ser329Pro)

Gene: SCN10A (sodium voltage-gated channel alpha subunit 10; minus strand). Cytogenetic location: 3p22.2.
Variant type: single nucleotide variant.
Coding change: c.985T>C on transcript NM_006514.4 (MANE Select); coding-DNA position 985, T replaced by C.
Protein change: p.Ser329Pro; replaces serine 329 with proline.
Molecular consequence: missense variant.
Genome position (GRCh38, 1-based): chr3:38,757,125, A>G on the plus strand (T>C on the coding strand, the complement: SCN10A is on the minus strand). VCF-style: chr3-38757125-A-G. GRCh37 (hg19) VCF-style: chr3-38798616-A-G.
Other names: c.985T>C, p.Ser329Pro (NM_001293306.2, NM_001293307.2); short protein forms S329P.
Identifiers: ClinVar variation 3342410 (VCV003342410.1).